The following is an entry in ClinVar:

NM_177438.3(DICER1):c.2104C>G (p.Leu702Val)

Gene: DICER1 (dicer 1, ribonuclease III; minus strand). Cytogenetic location: 14q32.13.
Variant type: single nucleotide variant.
Coding change: c.2104C>G on transcript NM_177438.3 (MANE Select); coding-DNA position 2104, C replaced by G.
Protein change: p.Leu702Val; replaces leucine 702 with valine.
Molecular consequence: missense variant.
Genome position (GRCh38, 1-based): chr14:95,112,184, G>C on the plus strand (C>G on the coding strand, the complement: DICER1 is on the minus strand). VCF-style: chr14-95112184-G-C. GRCh37 (hg19) VCF-style: chr14-95578521-G-C.
Other names: c.2104C>G, p.Leu702Val (NM_001195573.1, NM_001271282.3, NM_001291628.2 and 1 more transcripts); short protein forms L702V.
Identifiers: ClinVar variation 477087 (VCV000477087.11), dbSNP rs1555371818, ClinGen allele CA390883012.
Genomic context (GRCh38, chr14:95,112,184, plus strand): 5'-ATGGTTGCAATTTATTTTCATTCGTATATGCTTTTCAAACATCCTTACCAATTTTGTGCA[G>C]TTTCTCACAGCAAATGAGAGCTACAACTCTTTCAGCCAATCGTACACAGCTCATTGGTGG-3'
Protein context (NP_803187.1, residues 692-712): RVVALICCEK[Leu702Val]HKIGELDDHL

ClinVar aggregate classification (germline): Uncertain significance. Review status: criteria provided, multiple submitters, no conflicts (2 of 4 stars). 2 submissions from 2 submitters: Uncertain significance (2). Last evaluated 2025-02-01.

Conditions:
DICER1-related tumor predisposition. Also called: DICER1-related pleuropulmonary blastoma cancer predisposition syndrome; DICER1 syndrome. Identifiers: Orphanet 284343, MedGen C3839822, MONDO:0100216.
Hereditary cancer-predisposing syndrome. Also called: Tumor predisposition; Neoplastic Syndromes, Hereditary; Hereditary Cancer Syndrome; Hereditary neoplastic syndrome. Identifiers: Orphanet 140162, MedGen C0027672, MeSH D009386, MONDO:0015356.

Submissions (2):

Ambry Genetics
Classification: Uncertain significance for Hereditary cancer-predisposing syndrome. Last evaluated: 2025-02-01. Review status: criteria provided, single submitter. Criteria: Ambry Variant Classification Scheme 2023. Collection method: clinical testing. Allele origin: germline.
Comment: The p.L702V variant (also known as c.2104C>G), located in coding exon 12 of the DICER1 gene, results from a C to G substitution at nucleotide position 2104. The leucine at codon 702 is replaced by valine, an amino acid with highly similar properties. This amino acid position is conserved. In addition, this alteration is predicted to be deleterious by in silico analysis. Based on the available evidence, the clinical significance of this variant remains unclear.

Labcorp Genetics (formerly Invitae), Labcorp
Classification: Uncertain significance for DICER1-related tumor predisposition. Last evaluated: 2022-07-25. Review status: criteria provided, single submitter. Criteria: Invitae Variant Classification Sherloc (09022015). Collection method: clinical testing. Allele origin: germline.
Comment: In summary, the available evidence is currently insufficient to determine the role of this variant in disease. Therefore, it has been classified as a Variant of Uncertain Significance. Algorithms developed to predict the effect of missense changes on protein structure and function (SIFT, PolyPhen-2, Align-GVGD) all suggest that this variant is likely to be disruptive. ClinVar contains an entry for this variant (Variation ID: 477087). This variant has not been reported in the literature in individuals affected with DICER1-related conditions. This variant is not present in population databases (gnomAD no frequency). This sequence change replaces leucine, which is neutral and non-polar, with valine, which is neutral and non-polar, at codon 702 of the DICER1 protein (p.Leu702Val).